The following is an entry in ClinVar:

NM_001369.3(DNAH5):c.12655G>A (p.Ala4219Thr)

Gene: DNAH5 (dynein axonemal heavy chain 5; minus strand). Cytogenetic location: 5p15.2.
Variant type: single nucleotide variant.
Coding change: c.12655G>A on transcript NM_001369.3 (MANE Select); coding-DNA position 12655, G replaced by A.
Protein change: p.Ala4219Thr; replaces alanine 4219 with threonine.
Molecular consequence: missense variant.
Genome position (GRCh38, 1-based): chr5:13,717,365, C>T on the plus strand (G>A on the coding strand, the complement: DNAH5 is on the minus strand). VCF-style: chr5-13717365-C-T. GRCh37 (hg19) VCF-style: chr5-13717474-C-T.
Other names: c.12655G>A (NM_001369.2); short protein forms A4219T.
Identifiers: ClinVar variation 198655 (VCV000198655.6), dbSNP rs794727887, ClinGen allele CA247436.
Genomic context (GRCh38, chr5:13,717,365, plus strand): 5'-GCGGCAGTACCTTTTTGACATCCATGTCATCCAAGTGGTTTTGGATGAACTGCACAGTGG[C>T]ATTAAAGTCCGCTTGGTTAAATTCGTAGGGGATATTCCACCCCAGGGCACCGAACTTGCG-3'
Protein context (NP_001360.1, residues 4209-4229): PYEFNQADFN[Ala4219Thr]TVQFIQNHLD

ClinVar aggregate classification (germline): Uncertain significance. Review status: criteria provided, multiple submitters, no conflicts (2 of 4 stars). 2 submissions from 2 submitters: Uncertain significance (2). Last evaluated 2025-12-30.

Conditions:
Primary ciliary dyskinesia. Also called: Ciliary dyskinesia. Identifiers: Orphanet 244, MedGen C0008780, MONDO:0016575, HP:0012265.

Allele frequency attached by ClinVar (database versions not stated): gnomAD exomes below 0.00001; TOPMed below 0.00001; gnomAD 0.00001.
gnomAD v4.1: 3 of 1,613,918 alleles (0.00019%); highest among the groups gnomAD compares: Non-Finnish European, 0.00025%; no homozygotes.

Submissions (2):

Ambry Genetics
Classification: Uncertain significance for Primary ciliary dyskinesia. Last evaluated: 2025-12-30. Review status: criteria provided, single submitter. Criteria: Ambry Variant Classification Scheme 2023. Collection method: clinical testing. Allele origin: germline.
Comment: The p.A4219T variant (also known as c.12655G>A), located in coding exon 73 of the DNAH5 gene, results from a G to A substitution at nucleotide position 12655. The alanine at codon 4219 is replaced by threonine, an amino acid with similar properties. This amino acid position is conserved. In addition, this alteration is predicted to be tolerated by in silico analysis. Based on the available evidence, the clinical significance of this variant remains unclear.

Eurofins Ntd Llc (ga)
Classification: Uncertain significance. Last evaluated: 2014-07-22. Review status: criteria provided, single submitter. Criteria: EGL Classification Definitions 2015. Collection method: clinical testing. Allele origin: germline. Observed: 1 variant allele, 1 heterozygote.